The following is an entry in ClinVar:

NM_006231.4(POLE):c.3270G>A (p.Thr1090=)

Gene: POLE (DNA polymerase epsilon, catalytic subunit; minus strand). Cytogenetic location: 12q24.33.
Variant type: single nucleotide variant.
Coding change: c.3270G>A on transcript NM_006231.4 (MANE Select); coding-DNA position 3270, G replaced by A.
Protein change: p.Thr1090=; no amino-acid change (threonine 1090 retained).
Molecular consequence: synonymous variant.
Genome position (GRCh38, 1-based): chr12:132,659,300, C>T on the plus strand (G>A on the coding strand, the complement: POLE is on the minus strand). VCF-style: chr12-132659300-C-T. GRCh37 (hg19) VCF-style: chr12-133235886-C-T.
Identifiers: ClinVar variation 484504 (VCV000484504.15), dbSNP rs758258927, ClinGen allele CA6893324.

ClinVar aggregate classification (germline): Likely benign. Review status: criteria provided, multiple submitters, no conflicts (2 of 4 stars). 4 submissions from 4 submitters: Likely benign (4). Last evaluated 2025-10-06.

Conditions:
Hereditary cancer-predisposing syndrome. Also called: Neoplastic Syndromes, Hereditary; Tumor predisposition; Hereditary Cancer Syndrome; Hereditary neoplastic syndrome. Identifiers: Orphanet 140162, MedGen C0027672, MeSH D009386, MONDO:0015356.

Allele frequency attached by ClinVar (database versions not stated): gnomAD exomes 0.00001 and 0.00002; ExAC 0.00002; gnomAD 0.00002; TOPMed 0.00002.
gnomAD v4.1: 26 of 1,613,584 alleles (0.0016%); highest among the groups gnomAD compares: East Asian, 0.0022%; no homozygotes.

Submissions (4):

Labcorp Genetics (formerly Invitae), Labcorp
Classification: Likely benign. Last evaluated: 2025-10-06. Review status: criteria provided, single submitter. Criteria: Invitae Variant Classification Sherloc (09022015). Collection method: clinical testing. Allele origin: germline.

Sema4
Classification: Likely benign for Hereditary cancer-predisposing syndrome. Last evaluated: 2021-04-28. Review status: criteria provided, single submitter. Criteria: Sema4 Curation Guidelines. Collection method: curation. Allele origin: germline.

GeneDx
Classification: Likely benign. Last evaluated: 2018-03-02. Review status: criteria provided, single submitter. Criteria: GeneDx Variant Classification (06012015). Collection method: clinical testing. Allele origin: germline. Affected: yes.
Comment: This variant is considered likely benign or benign based on one or more of the following criteria: it is a conservative change, it occurs at a poorly conserved position in the protein, it is predicted to be benign by multiple in silico algorithms, and/or has population frequency not consistent with disease.

Ambry Genetics
Classification: Likely benign for Hereditary cancer-predisposing syndrome. Last evaluated: 2017-05-17. Review status: criteria provided, single submitter. Criteria: Ambry Variant Classification Scheme 2023. Collection method: clinical testing. Allele origin: germline.